The following is an entry in ClinVar:

NM_001384474.1(LOXHD1):c.4413del (p.Pro1472fs)

Gene: LOXHD1 (lipoxygenase homology PLAT domains 1; minus strand). Cytogenetic location: 18q21.1.
Variant type: Deletion.
Coding change: c.4413del on transcript NM_001384474.1 (MANE Select); coding-DNA position 4413, one base deleted (T; older notation c.4413delT).
Protein change: p.Pro1472fs; shifts the reading frame from proline 1472.
Molecular consequence: frameshift variant.
Genome position (GRCh38, 1-based): chr18:46,529,294, A deleted on the plus strand (T on the coding strand, the reverse complement: LOXHD1 is on the minus strand); the first of 2 consecutive A bases (chr18:46,529,294-46,529,295); deleting either gives the same sequence. VCF-style (leftmost placement, unchanged base first): chr18-46529293-GA-G. GRCh37 (hg19) VCF-style: chr18-44109256-GA-G.
Other names: c.1080del, p.Pro361fs (NM_001145472.3); c.792del, p.Pro265fs (NM_001308013.2); c.4413del, p.Pro1472fs (NM_144612.7); c.4413delT (NM_144612.6); short protein forms P265fs, P361fs, P1472fs.
Identifiers: ClinVar variation 851139 (VCV000851139.10), dbSNP rs1407136283, ClinGen allele CA629511650.

ClinVar aggregate classification (germline): Pathogenic/Likely pathogenic. Review status: criteria provided, multiple submitters, no conflicts (2 of 4 stars). 4 submissions from 4 submitters: Pathogenic (1); Likely pathogenic (3). Last evaluated 2026-01-09.

Conditions:
LOXHD1-related disorder. Also called: LOXHD1-related condition.
Autosomal recessive nonsyndromic hearing loss 77. Identifiers: Orphanet 90636, MedGen C2746083, MONDO:0013119, OMIM 613079.

Submissions (4):

Labcorp Genetics (formerly Invitae), Labcorp
Classification: Pathogenic. Last evaluated: 2026-01-09. Review status: criteria provided, single submitter. Criteria: Invitae Variant Classification Sherloc (09022015). Collection method: clinical testing. Allele origin: germline.
Comment: This sequence change creates a premature translational stop signal (p.Pro1472Leufs*50) in the LOXHD1 gene. It is expected to result in an absent or disrupted protein product. Loss-of-function variants in LOXHD1 are known to be pathogenic (PMID: 19732867, 21465660, 25792669). This variant is present in population databases (no rsID available, gnomAD 0.003%). This variant has not been reported in the literature in individuals affected with LOXHD1-related conditions. ClinVar contains an entry for this variant (Variation ID: 851139). For these reasons, this variant has been classified as Pathogenic.

Natera, Inc.
Classification: Likely pathogenic for Autosomal recessive deafness type 77. Last evaluated: 2025-10-07. Review status: criteria provided, single submitter. Criteria: Natera Variant Classification Schema (03/2026). Collection method: clinical testing. Allele origin: germline.
Comment: The c.4413delT variant in LOXHD1 is a frameshift variant predicted to shift the reading frame beginning at codon 1472 and leads to a stop codon 50 codons downstream. This variant is expected to result in nonsense mediated decay, truncation, or a dysfunctional protein product. This variant is rare in the general population with a frequency below the threshold expected for the associated phenotype(s). Given the available evidence, this variant is classified as Likely Pathogenic.

PreventionGenetics, part of Exact Sciences
Classification: Likely pathogenic for LOXHD1-related condition. Last evaluated: 2025-06-03. Review status: criteria provided, single submitter. Criteria: ACMG Guidelines, 2015. Collection method: clinical testing. Allele origin: germline.
Comment: The LOXHD1 c.4413delT variant is predicted to result in a frameshift and premature protein termination (p.Pro1472Leufs*50). To our knowledge, this variant has not been reported in the literature. This variant is reported in 0.0039% of alleles in individuals of European (Non-Finnish) descent in gnomAD. Frameshift variants in LOXHD1 are expected to be pathogenic. This variant is interpreted as likely pathogenic.

Fulgent Genetics
Classification: Likely pathogenic for Autosomal recessive nonsyndromic hearing loss 77. Last evaluated: 2024-03-25. Review status: criteria provided, single submitter. Criteria: ACMG Guidelines, 2015. Collection method: clinical testing. Allele origin: germline.

Literature cited by the submitters: PubMed 19732867 (cited by Labcorp Genetics (formerly Invitae), Labcorp); PubMed 21465660 (cited by Labcorp Genetics (formerly Invitae), Labcorp); PubMed 25792669 (cited by Labcorp Genetics (formerly Invitae), Labcorp).